The following is an entry in ClinVar:

ClinVar aggregate classification (germline): Uncertain significance (1 of 4 stars; one submission).

Conditions:
Inborn genetic diseases. Identifiers: MedGen C0950123, MeSH D030342.

Submission:

Ambry Genetics
Classification: Uncertain significance for Inborn genetic diseases. Last evaluated: 2025-08-22. Review status: criteria provided, single submitter. Criteria: Ambry Variant Classification Scheme 2023. Collection method: clinical testing. Allele origin: germline.
Comment: The p.E138G variant (also known as c.413A>G), located in coding exon 4 of the RUNX1 gene, results from an A to G substitution at nucleotide position 413. The glutamic acid at codon 138 is replaced by glycine, an amino acid with similar properties. This amino acid position is highly conserved in available vertebrate species. In addition, this alteration is predicted to be deleterious by in silico analysis. Based on the available evidence, the clinical significance of this variant remains unclear.

NM_001754.5(RUNX1):c.413A>G (p.Glu138Gly)

Genes: RUNX1-AS1 (RUNX1 antisense RNA 1; plus strand), RUNX1 (RUNX family transcription factor 1; minus strand). Cytogenetic location: 21q22.12.
Variant type: single nucleotide variant.
Coding change: c.413A>G on transcript NM_001754.5 (MANE Select); coding-DNA position 413, A replaced by G.
Protein change: p.Glu138Gly; replaces glutamic acid 138 with glycine.
Molecular consequence: missense variant.
Genome position (GRCh38, 1-based): chr21:34,880,652, T>C on the plus strand (A>G on the coding strand, the complement: RUNX1 is on the minus strand). VCF-style: chr21-34880652-T-C. GRCh37 (hg19) VCF-style: chr21-36252949-T-C.
Other names: c.332A>G, p.Glu111Gly (NM_001001890.3, NM_001122607.2); short protein forms E138G, E111G.
Identifiers: ClinVar variation 4158222 (VCV004158222.1).